The following is an entry in ClinVar:

ClinVar aggregate classification (germline): Pathogenic. Review status: criteria provided, multiple submitters, no conflicts (2 of 4 stars). 2 submissions from 2 submitters: Pathogenic (2). Last evaluated 2026-06-16.

Conditions:
DICER1-related tumor predisposition. Also called: DICER1 syndrome; DICER1-related pleuropulmonary blastoma cancer predisposition syndrome. Identifiers: Orphanet 284343, MedGen C3839822, MONDO:0100216.
Hereditary cancer-predisposing syndrome. Also called: Hereditary Cancer Syndrome; Neoplastic Syndromes, Hereditary; Hereditary neoplastic syndrome; Tumor predisposition. Identifiers: Orphanet 140162, MedGen C0027672, MeSH D009386, MONDO:0015356.

Submissions (2):

Ambry Genetics
Classification: Pathogenic for Hereditary cancer-predisposing syndrome. Last evaluated: 2026-06-16. Review status: criteria provided, single submitter. Criteria: Ambry Variant Classification Scheme 2023. Collection method: clinical testing. Allele origin: germline.
Comment: The c.3517dupA pathogenic mutation, located in coding exon 20 of the DICER1 gene, results from a duplication of A at nucleotide position 3517, causing a translational frameshift with a predicted alternate stop codon (p.T1173Nfs*4). This variant was reported in individual(s) with features consistent with DICER1-related tumor predisposition (Shero N et al. Case Rep Womens Health, 2024 Mar;41:e00580). This alteration is expected to result in loss of function by premature protein truncation or nonsense-mediated mRNA decay. As such, this alteration is interpreted as a disease-causing mutation.

Labcorp Genetics (formerly Invitae), Labcorp
Classification: Pathogenic for DICER1-related tumor predisposition. Last evaluated: 2026-01-18. Review status: criteria provided, single submitter. Criteria: Invitae Variant Classification Sherloc (09022015). Collection method: clinical testing. Allele origin: germline.
Comment: This sequence change creates a premature translational stop signal (p.Thr1173Asnfs*4) in the DICER1 gene. It is expected to result in an absent or disrupted protein product. Loss-of-function variants in DICER1 are known to be pathogenic (PMID: 19556464, 21266384). This variant is not present in population databases (gnomAD no frequency). This variant has not been reported in the literature in individuals affected with DICER1-related conditions. ClinVar contains an entry for this variant (Variation ID: 1431996). For these reasons, this variant has been classified as Pathogenic.

Literature cited by the submitters: PubMed 38282900 (cited by Ambry Genetics); PubMed 19556464 (cited by Labcorp Genetics (formerly Invitae), Labcorp); PubMed 21266384 (cited by Labcorp Genetics (formerly Invitae), Labcorp).

NM_177438.3(DICER1):c.3517dup (p.Thr1173fs)

Gene: DICER1 (dicer 1, ribonuclease III; minus strand). Cytogenetic location: 14q32.13.
Variant type: Duplication.
Coding change: c.3517dup on transcript NM_177438.3 (MANE Select); coding-DNA position 3517, one base duplicated (A; older notation c.3517dupA).
Protein change: p.Thr1173fs; shifts the reading frame from threonine 1173.
Molecular consequence: frameshift variant.
Genome position (GRCh38, 1-based): chr14:95,103,879, T duplicated on the plus strand (A on the coding strand, the reverse complement: DICER1 is on the minus strand). VCF-style (leftmost placement, unchanged base first): chr14-95103878-G-GT. GRCh37 (hg19) VCF-style: chr14-95570215-G-GT.
Other names: c.3517dup, p.Thr1173fs (NM_001195573.1, NM_001271282.3, NM_001291628.2 and 1 more transcripts); c.3517dupA (NM_177438.2); short protein forms T1173fs.
Identifiers: ClinVar variation 1431996 (VCV001431996.8), dbSNP rs2139966575, ClinGen allele CA2573150348.